The following is an entry in ClinVar:

ClinVar aggregate classification (germline): Uncertain significance (1 of 4 stars; one submission).

Conditions:
Diamond-Blackfan anemia. Also called: Blackfan Diamond syndrome; Aregenerative anemia chronic congenital; Red cell aplasia, pure hereditary; Congenital hypoplastic anemia; Aase syndrome. Identifiers: Orphanet 124, MedGen C1260899, MeSH D029503, MONDO:0015253, HP:0004810.
GATA binding protein 1 related thrombocytopenia with dyserythropoiesis. Also called: GATA1-Related Cytopenia; GATA1-Related X-Linked Cytopenia. Identifiers: MedGen C1845837, MONDO:0100089.

Submission:

Labcorp Genetics (formerly Invitae), Labcorp
Classification: Uncertain significance for GATA binding protein 1 related thrombocytopenia with dyserythropoiesis; Diamond-Blackfan anemia. Last evaluated: 2022-12-10. Review status: criteria provided, single submitter. Criteria: Invitae Variant Classification Sherloc (09022015). Collection method: clinical testing. Allele origin: germline.
Comment: In summary, the available evidence is currently insufficient to determine the role of this variant in disease. Therefore, it has been classified as a Variant of Uncertain Significance. Algorithms developed to predict the effect of missense changes on protein structure and function are either unavailable or do not agree on the potential impact of this missense change (SIFT: "Tolerated"; PolyPhen-2: "Probably Damaging"; Align-GVGD: "Class C0"). This variant has not been reported in the literature in individuals affected with GATA1-related conditions. This variant is not present in population databases (gnomAD no frequency). This sequence change replaces glutamine, which is neutral and polar, with histidine, which is basic and polar, at codon 17 of the GATA1 protein (p.Gln17His).

NM_002049.4(GATA1):c.51G>C (p.Gln17His)

Gene: GATA1 (GATA binding protein 1; plus strand). Cytogenetic location: Xp11.23.
Variant type: single nucleotide variant.
Coding change: c.51G>C on transcript NM_002049.4 (MANE Select); coding-DNA position 51, G replaced by C.
Protein change: p.Gln17His; replaces glutamine 17 with histidine.
Molecular consequence: missense variant.
Genome position (GRCh38, 1-based): chrX:48,791,160, G>C. VCF-style: chrX-48791160-G-C. GRCh37 (hg19) VCF-style: chrX-48649567-G-C.
Other names: short protein forms Q17H.
Identifiers: ClinVar variation 2939837 (VCV002939837.3), dbSNP rs12841023, ClinGen allele CA329105943.